The following is an entry in ClinVar:

ClinVar aggregate classification (germline): Uncertain significance (1 of 4 stars; one submission).

Allele frequency attached by ClinVar (database versions not stated): gnomAD exomes below 0.00001; ExAC 0.00001.
gnomAD v4.1: 6 of 1,612,894 alleles (0.00037%); highest among the groups gnomAD compares: South Asian, 0.0066%; no homozygotes.

Submission:

Labcorp Genetics (formerly Invitae), Labcorp
Classification: Uncertain significance. Last evaluated: 2025-10-01. Review status: criteria provided, single submitter. Criteria: Invitae Variant Classification Sherloc (09022015). Collection method: clinical testing. Allele origin: germline.
Comment: This sequence change replaces alanine, which is neutral and non-polar, with serine, which is neutral and polar, at codon 18 of the ROM1 protein (p.Ala18Ser). This variant is present in population databases (rs774331848, gnomAD 0.01%). This variant has not been reported in the literature in individuals affected with ROM1-related conditions. ClinVar contains an entry for this variant (Variation ID: 2857242). Invitae Evidence Modeling of protein sequence and biophysical properties (such as structural, functional, and spatial information, amino acid conservation, physicochemical variation, residue mobility, and thermodynamic stability) indicates that this missense variant is not expected to disrupt ROM1 protein function with a negative predictive value of 80%. In summary, the available evidence is currently insufficient to determine the role of this variant in disease. Therefore, it has been classified as a Variant of Uncertain Significance.

NM_000327.4(ROM1):c.52G>T (p.Ala18Ser)

Gene: ROM1 (retinal outer segment membrane protein 1; plus strand). Cytogenetic location: 11q12.3.
Variant type: single nucleotide variant.
Coding change: c.52G>T on transcript NM_000327.4 (MANE Select); coding-DNA position 52, G replaced by T.
Protein change: p.Ala18Ser; replaces alanine 18 with serine.
Molecular consequence: missense variant.
Genome position (GRCh38, 1-based): chr11:62,613,333, G>T. VCF-style: chr11-62613333-G-T. GRCh37 (hg19) VCF-style: chr11-62380805-G-T.
Other names: short protein forms A18S.
Identifiers: ClinVar variation 2857242 (VCV002857242.3), dbSNP rs774331848, ClinGen allele CA6049634.